The following is an entry in ClinVar:

NM_000540.3(RYR1):c.9234-11T>G

Gene: RYR1 (ryanodine receptor 1; plus strand). Cytogenetic location: 19q13.2.
Variant type: single nucleotide variant.
Coding change: c.9234-11T>G on transcript NM_000540.3 (MANE Select); 11 bases into the intron before coding-DNA position 9234, T replaced by G.
Molecular consequence: intron variant.
Genome position (GRCh38, 1-based): chr19:38,512,234, T>G. VCF-style: chr19-38512234-T-G. GRCh37 (hg19) VCF-style: chr19-39002874-T-G.
Other names: c.9234-11T>G (NM_001042723.2).
Identifiers: ClinVar variation 3072309 (VCV003072309.2), dbSNP rs750322384, ClinGen allele CA073406.

ClinVar aggregate classification (germline): Conflicting classifications of pathogenicity. Review status: criteria provided, conflicting classifications (1 of 4 stars). 2 submissions from 2 submitters: Uncertain significance (1); Likely benign (1). Last evaluated 2025-06-23.

Conditions:
Malignant hyperthermia, susceptibility to, 1 (MHS1). Also called: Anesthesia related hyperthermia; Malignant hyperpyrexia; Fulminating hyperpyrexia; Pharmacogenic myopathy; RYR1-Related Malignant Hyperthermia Susceptibility; Malignant hyperthermia suceptibility 1. Identifiers: Orphanet 423, MedGen C2930980, MONDO:0007783, OMIM 145600.

Allele frequency attached by ClinVar (database versions not stated): ExAC 0.00001; gnomAD exomes 0.00004.
gnomAD v4.1: 54 of 1,614,188 alleles (0.0033%); highest among the groups gnomAD compares: Non-Finnish European, 0.0045%; no homozygotes.

Submissions (2):

Color Diagnostics, LLC DBA Color Health
Classification: Likely benign for Malignant hyperthermia, susceptibility to, 1. Last evaluated: 2025-06-23. Review status: criteria provided, single submitter. Criteria: ACMG Guidelines, 2015. Collection method: clinical testing. Allele origin: germline.

All of Us Research Program, National Institutes of Health
Classification: Uncertain significance for Malignant hyperthermia, susceptibility to, 1. Last evaluated: 2023-07-10. Review status: criteria provided, single submitter. Criteria: ACMG Guidelines, 2015. Collection method: clinical testing. Allele origin: germline. Inheritance: Autosomal dominant inheritance. Observed: 1 variant allele, 1 heterozygote.
Comment: This variant causes a T to G nucleotide substitution at the -11 position of intron 62 of the RYR1 gene. To our knowledge, functional studies have not been reported for this variant. This variant has not been reported in individuals affected with RYR1-related disorders in the literature. This variant has been identified in 3/251330 chromosomes in the general population by the Genome Aggregation Database (gnomAD). The available evidence is insufficient to determine the role of this variant in disease conclusively. Therefore, this variant is classified as a Variant of Uncertain Significance.

This study involves interpretation of variants in research participants for the purpose of population health screening. Participant phenotype was not available at the time of variant classification. Additional details can be found in publication PMID: 35346344, PMCID: PMC8962531